The following is an entry in ClinVar:

ClinVar aggregate classification (germline): Uncertain significance (1 of 4 stars; one submission).

Submission:

GeneDx
Classification: Uncertain significance. Last evaluated: 2025-04-30. Review status: criteria provided, single submitter. Criteria: GeneDx Variant Classification Process June 2021. Collection method: clinical testing. Allele origin: germline. Affected: yes.
Comment: Canonical splice site variant predicted to result in an in-frame loss of the adjacent exon in a gene for which loss of function is a known mechanism of disease; Has not been previously published as pathogenic or benign to our knowledge

NM_001385012.1(NBEA):c.8036-1G>A

Gene: NBEA (neurobeachin; plus strand). Cytogenetic location: 13q13.3.
Variant type: single nucleotide variant.
Coding change: c.8036-1G>A on transcript NM_001385012.1 (MANE Select); the canonical splice acceptor site of the intron before coding-DNA position 8036, G replaced by A.
Molecular consequence: splice acceptor variant.
Genome position (GRCh38, 1-based): chr13:35,654,854, G>A. VCF-style: chr13-35654854-G-A. GRCh37 (hg19) VCF-style: chr13-36228991-G-A.
Other names: c.7973-1G>A (NM_015678.5); c.8027-1G>A (NM_001379245.1); c.1352-1G>A (NM_001204197.3).
Identifiers: ClinVar variation 4527375 (VCV004527375.1).
Genomic context (GRCh38, chr13:35,654,854, plus strand): 5'-GAGTGCTTGGCAAAACTCATATGGAATCTTTCTTCAAATGCTTTTTTCCATTTACTTTTA[G>A]CCAATAATTCAGGTGTAAACAAACGGCAGATCACAGACCTCGTTGACCAGAGTATACAAA-3'